The following is an entry in ClinVar:

ClinVar aggregate classification (germline): Uncertain significance (1 of 4 stars; one submission).

Conditions:
Kabuki syndrome. Also called: Kabuki make-up syndrome; NIIKAWA-KUROKI SYNDROME. Identifiers: Orphanet 2322, MedGen C0796004, MONDO:0016512.

gnomAD v4.1: 3 of 1,533,370 alleles (0.0002%); highest among the groups gnomAD compares: South Asian, 0.0013%; no homozygotes.

Submission:

Labcorp Genetics (formerly Invitae), Labcorp
Classification: Uncertain significance for Kabuki syndrome. Last evaluated: 2023-08-30. Review status: criteria provided, single submitter. Criteria: Invitae Variant Classification Sherloc (09022015). Collection method: clinical testing. Allele origin: germline.
Comment: This sequence change replaces leucine, which is neutral and non-polar, with phenylalanine, which is neutral and non-polar, at codon 4274 of the KMT2D protein (p.Leu4274Phe). This variant is not present in population databases (gnomAD no frequency). This variant has not been reported in the literature in individuals affected with KMT2D-related conditions. ClinVar contains an entry for this variant (Variation ID: 1516319). Advanced modeling of protein sequence and biophysical properties (such as structural, functional, and spatial information, amino acid conservation, physicochemical variation, residue mobility, and thermodynamic stability) performed at Invitae indicates that this missense variant is not expected to disrupt KMT2D protein function. In summary, the available evidence is currently insufficient to determine the role of this variant in disease. Therefore, it has been classified as a Variant of Uncertain Significance.

NM_003482.4(KMT2D):c.12820C>T (p.Leu4274Phe)

Gene: KMT2D (lysine methyltransferase 2D; minus strand). Cytogenetic location: 12q13.12.
Variant type: single nucleotide variant.
Coding change: c.12820C>T on transcript NM_003482.4 (MANE Select); coding-DNA position 12820, C replaced by T.
Protein change: p.Leu4274Phe; replaces leucine 4274 with phenylalanine.
Molecular consequence: missense variant.
Genome position (GRCh38, 1-based): chr12:49,031,885, G>A on the plus strand (C>T on the coding strand, the complement: KMT2D is on the minus strand). VCF-style: chr12-49031885-G-A. GRCh37 (hg19) VCF-style: chr12-49425668-G-A.
Other names: short protein forms L4274F.
Identifiers: ClinVar variation 1516319 (VCV001516319.8), dbSNP rs2120426084, ClinGen allele CA384709085.